The following is an entry in ClinVar:

ClinVar aggregate classification (germline): Uncertain significance (1 of 4 stars; one submission).

Conditions:
RASopathy. Also called: rasopathies; Noonan spectrum disorder. Identifiers: Orphanet 536391, MedGen C5555857, MONDO:0021060.

gnomAD v4.1: 5 of 1,596,618 alleles (0.00031%); highest among the groups gnomAD compares: South Asian, 0.0034%; no homozygotes.

Submission:

Labcorp Genetics (formerly Invitae), Labcorp
Classification: Uncertain significance for RASopathy. Last evaluated: 2025-03-14. Review status: criteria provided, single submitter. Criteria: Invitae Variant Classification Sherloc (09022015). Collection method: clinical testing. Allele origin: germline.
Comment: This sequence change replaces glycine, which is neutral and non-polar, with arginine, which is basic and polar, at codon 21 of the SOS1 protein (p.Gly21Arg). This variant is not present in population databases (gnomAD no frequency). This variant has not been reported in the literature in individuals affected with SOS1-related conditions. ClinVar contains an entry for this variant (Variation ID: 1043116). Invitae Evidence Modeling of protein sequence and biophysical properties (such as structural, functional, and spatial information, amino acid conservation, physicochemical variation, residue mobility, and thermodynamic stability) has been performed for this missense variant. However, the output from this modeling did not meet the statistical confidence thresholds required to predict the impact of this variant on SOS1 protein function. In summary, the available evidence is currently insufficient to determine the role of this variant in disease. Therefore, it has been classified as a Variant of Uncertain Significance.

NM_005633.4(SOS1):c.61G>A (p.Gly21Arg)

Genes: SOS1 (SOS Ras/Rac guanine nucleotide exchange factor 1; minus strand), LOC129933535 (ATAC-STARR-seq lymphoblastoid silent region 11384; plus strand). Cytogenetic location: 2p22.1.
Variant type: single nucleotide variant.
Coding change: c.61G>A on transcript NM_005633.4 (MANE Select); coding-DNA position 61, G replaced by A.
Protein change: p.Gly21Arg; replaces glycine 21 with arginine.
Molecular consequence: missense variant. On other transcripts: intron variant (1).
Genome position (GRCh38, 1-based): chr2:39,120,362, C>T on the plus strand (G>A on the coding strand, the complement: SOS1 is on the minus strand). VCF-style: chr2-39120362-C-T. GRCh37 (hg19) VCF-style: chr2-39347503-C-T.
Other names: c.61G>A, p.Gly21Arg (NM_001382395.1); c.66+4302G>A (NM_001382394.1); short protein forms G21R.
Identifiers: ClinVar variation 1043116 (VCV001043116.9), dbSNP rs771423136, ClinGen allele CA346374606.